The following is an entry in ClinVar:

ClinVar aggregate classification (germline): Uncertain significance. Review status: criteria provided, multiple submitters, no conflicts (2 of 4 stars). 3 submissions from 3 submitters: Uncertain significance (2). 1 of the submissions does not count toward it. Last evaluated 2025-09-01.

Allele frequency attached by ClinVar (database versions not stated): TOPMed 0.00010.

Submissions (3):

Ambry Genetics
Classification: Uncertain significance. Last evaluated: 2025-09-01. Review status: criteria provided, single submitter. Criteria: Ambry Variant Classification Scheme 2023. Collection method: clinical testing. Allele origin: germline.

Labcorp Genetics (formerly Invitae), Labcorp
Classification: Uncertain significance. Last evaluated: 2023-12-11. Review status: criteria provided, single submitter. Criteria: Invitae Variant Classification Sherloc (09022015). Collection method: clinical testing. Allele origin: germline.
Comment: This sequence change replaces leucine, which is neutral and non-polar, with methionine, which is neutral and non-polar, at codon 618 of the KIAA1161 protein (p.Leu618Met). This variant is present in population databases (rs772243609, gnomAD 0.01%). This variant has not been reported in the literature in individuals affected with KIAA1161-related conditions. ClinVar contains an entry for this variant (Variation ID: 1050051). Advanced modeling of protein sequence and biophysical properties (such as structural, functional, and spatial information, amino acid conservation, physicochemical variation, residue mobility, and thermodynamic stability) performed at Invitae indicates that this missense variant is not expected to disrupt KIAA1161 protein function with a negative predictive value of 80%. In summary, the available evidence is currently insufficient to determine the role of this variant in disease. Therefore, it has been classified as a Variant of Uncertain Significance.

Department of Pathology and Laboratory Medicine, Sinai Health System
Classification: Uncertain significance. Review status: no assertion criteria provided. Collection method: clinical testing. Allele origin: unknown. Affected: yes. Study: The Canadian Open Genetics Repository (COGR). Not counted in ClinVar's aggregate classification.
Comment: The KIAA1161 p.Leu618Met variant was not identified in the literature nor was it identified in ClinVar. The variant was identified in dbSNP (ID: rs772243609) and in control databases in 18 of 274936 chromosomes at a frequency of 0.00006547 (Genome Aggregation Database March 6, 2019, v2.1.1). The variant was observed in the following populations: Other in 1 of 7022 chromosomes (freq: 0.000142), European (non-Finnish) in 15 of 124504 chromosomes (freq: 0.000121) and European (Finnish) in 2 of 24882 chromosomes (freq: 0.00008), but was not observed in the African, Latino, Ashkenazi Jewish, East Asian, or South Asian populations. The p.Leu618 residue is conserved in mammals and computational analyses (PolyPhen-2, SIFT, AlignGVGD, BLOSUM, MutationTaster) provide inconsistent predictions regarding the impact to the protein; this information is not very predictive of pathogenicity. The variant occurs outside of the splicing consensus sequence and in silico or computational prediction software programs (SpliceSiteFinder, MaxEntScan, NNSPLICE, GeneSplicer) do not predict a difference in splicing. In summary, based on the above information the clinical significance of this variant cannot be determined with certainty at this time. This variant is classified as a variant of uncertain significance.

NM_020702.5(MYORG):c.1852C>A (p.Leu618Met)

Gene: MYORG (myogenesis regulating glycosidase; minus strand). Cytogenetic location: 9p13.3.
Variant type: single nucleotide variant.
Coding change: c.1852C>A on transcript NM_020702.5 (MANE Select); coding-DNA position 1852, C replaced by A.
Protein change: p.Leu618Met; replaces leucine 618 with methionine.
Molecular consequence: missense variant.
Genome position (GRCh38, 1-based): chr9:34,371,092, G>T on the plus strand (C>A on the coding strand, the complement: MYORG is on the minus strand). VCF-style: chr9-34371092-G-T. GRCh37 (hg19) VCF-style: chr9-34371090-G-T.
Other names: c.1852C>A (NM_020702.3); short protein forms L618M.
Identifiers: ClinVar variation 1050051 (VCV001050051.7), dbSNP rs772243609, ClinGen allele CA5032817.